The following is an entry in ClinVar:

NM_172070.4(UBR3):c.4323G>A (p.Pro1441=)

Gene: UBR3 (ubiquitin protein ligase E3 component n-recognin 3; plus strand). Cytogenetic location: 2q31.1.
Variant type: single nucleotide variant.
Coding change: c.4323G>A on transcript NM_172070.4 (MANE Select); coding-DNA position 4323, G replaced by A.
Protein change: p.Pro1441=; no amino-acid change (proline 1441 retained).
Molecular consequence: synonymous variant.
Genome position (GRCh38, 1-based): chr2:170,008,896, G>A. VCF-style: chr2-170008896-G-A. GRCh37 (hg19) VCF-style: chr2-170865406-G-A.
Identifiers: ClinVar variation 730737 (VCV000730737.28), dbSNP rs143438707, ClinGen allele CA1960240.

ClinVar aggregate classification (germline): Benign/Likely benign. Review status: criteria provided, multiple submitters, no conflicts (2 of 4 stars). 3 submissions from 3 submitters: Benign (2); Likely benign (1). Last evaluated 2022-06-01.

Allele frequency attached by ClinVar (database versions not stated): 1000 Genomes Project 30x 0.00031; 1000 Genomes Project 0.00040; TOPMed 0.00078; gnomAD 0.00095 and 0.00098; ESP Exome Variant Server 0.00131; gnomAD exomes 0.00144 and 0.00148; ExAC 0.00193.
gnomAD v4.1: 2,221 of 1,598,726 alleles (0.14%); highest among the groups gnomAD compares: Non-Finnish European, 0.17%; 4 homozygotes.

Submissions (3):

CeGaT Center for Human Genetics Tuebingen
Classification: Likely benign. Last evaluated: 2022-06-01. Review status: criteria provided, single submitter. Criteria: CeGaT Center For Human Genetics Tuebingen Variant Classification Criteria Version 2. Collection method: clinical testing. Allele origin: germline. Affected: yes. Observed: 1 variant allele.
Comment: UBR3: BP4, BP7

Labcorp Genetics (formerly Invitae), Labcorp
Classification: Benign. Last evaluated: 2018-07-26. Review status: criteria provided, single submitter. Criteria: Invitae Variant Classification Sherloc (09022015). Collection method: clinical testing. Allele origin: germline.

Breakthrough Genomics
Classification: Benign. Review status: criteria provided, single submitter. Criteria: ACMG Guidelines, 2015. Collection method: not provided. Allele origin: germline. Inheritance: Unknown mechanism. Affected: yes.